The following is an entry in ClinVar:

NM_000124.4(ERCC6):c.2438C>T (p.Ser813Phe)

Gene: ERCC6 (ERCC excision repair 6, chromatin remodeling factor; minus strand). Cytogenetic location: 10q11.23.
Variant type: single nucleotide variant.
Coding change: c.2438C>T on transcript NM_000124.4 (MANE Select); coding-DNA position 2438, C replaced by T.
Protein change: p.Ser813Phe; replaces serine 813 with phenylalanine.
Molecular consequence: missense variant.
Genome position (GRCh38, 1-based): chr10:49,474,187, G>A on the plus strand (C>T on the coding strand, the complement: ERCC6 is on the minus strand). VCF-style: chr10-49474187-G-A. GRCh37 (hg19) VCF-style: chr10-50682233-G-A.
Other names: c.2438C>T, p.Ser813Phe (NM_001346440.2); short protein forms S813F.
Identifiers: ClinVar variation 1969490 (VCV001969490.5), dbSNP rs1208368572, ClinGen allele CA376721736.
Genomic context (GRCh38, chr10:49,474,187, plus strand): 5'-CCAAACTGATCTTCTTCTAGTTCATCATCAGGAAGACCTTTGAGATTCTTGGGACCTCCA[G>A]AAAAGAGATCAGGGTGGTTGCAAATTTTTCTTAGGGCTATAAGTCCGGAGAAAATCTGTG-3'
Protein context (NP_000115.1, residues 803-823): RKICNHPDLF[Ser813Phe]GGPKNLKGLP

ClinVar aggregate classification (germline): Uncertain significance (1 of 4 stars; one submission).

Allele frequency attached by ClinVar (database versions not stated): gnomAD exomes below 0.00001; gnomAD 0.00001; TOPMed 0.00001.
gnomAD v4.1: 4 of 1,614,002 alleles (0.00025%); highest among the groups gnomAD compares: African/African-American, 0.0027%; no homozygotes.

Submission:

Labcorp Genetics (formerly Invitae), Labcorp
Classification: Uncertain significance. Last evaluated: 2022-05-05. Review status: criteria provided, single submitter. Criteria: Invitae Variant Classification Sherloc (09022015). Collection method: clinical testing. Allele origin: germline.
Comment: This sequence change replaces serine, which is neutral and polar, with phenylalanine, which is neutral and non-polar, at codon 813 of the ERCC6 protein (p.Ser813Phe). This variant is not present in population databases (gnomAD no frequency). This variant has not been reported in the literature in individuals affected with ERCC6-related conditions. Algorithms developed to predict the effect of missense changes on protein structure and function are either unavailable or do not agree on the potential impact of this missense change (SIFT: "Deleterious"; PolyPhen-2: "Benign"; Align-GVGD: "Class C15"). In summary, the available evidence is currently insufficient to determine the role of this variant in disease. Therefore, it has been classified as a Variant of Uncertain Significance.